The following is an entry in ClinVar:

ClinVar aggregate classification (germline): Uncertain significance (1 of 4 stars; one submission).

Conditions:
Arrhythmogenic cardiomyopathy with wooly hair and keratoderma. Also called: PALMOPLANTAR KERATODERMA WITH LEFT VENTRICULAR CARDIOMYOPATHY AND WOOLLY HAIR; Carvajal syndrome; Dilated cardiomyopathy with woolly hair and keratoderma; Arrhythmogenic cardiomyopathy with woolly hair and keratoderma. Identifiers: Orphanet 65282, MedGen C1854063, MONDO:0011581, OMIM 605676.

Submission:

All of Us Research Program, National Institutes of Health
Classification: Uncertain significance for Arrhythmogenic cardiomyopathy with wooly hair and keratoderma. Last evaluated: 2023-08-15. Review status: criteria provided, single submitter. Criteria: ACMG Guidelines, 2015. Collection method: clinical testing. Allele origin: germline. Inheritance: Autosomal dominant inheritance. Observed: 1 variant allele, 1 heterozygote.
Comment: This study involves interpretation of variants in research participants for the purpose of population health screening. Participant phenotype was not available at the time of variant classification. Additional details can be found in publication PMID: 35346344, PMCID: PMC8962531

NM_004415.4(DSP):c.1132T>A (p.Tyr378Asn)

Gene: DSP (desmoplakin; plus strand). Cytogenetic location: 6p24.3.
Variant type: single nucleotide variant.
Coding change: c.1132T>A on transcript NM_004415.4 (MANE Select); coding-DNA position 1132, T replaced by A.
Protein change: p.Tyr378Asn; replaces tyrosine 378 with asparagine.
Molecular consequence: missense variant.
Genome position (GRCh38, 1-based): chr6:7,567,441, T>A. VCF-style: chr6-7567441-T-A. GRCh37 (hg19) VCF-style: chr6-7567674-T-A.
Other names: c.1132T>A, p.Tyr378Asn (NM_001008844.3, NM_001319034.2, NM_001406591.1); short protein forms Y378N.
Identifiers: ClinVar variation 3072827 (VCV003072827.1), dbSNP rs2533880092, ClinGen allele CA362675797.
Genomic context (GRCh38, chr6:7,567,441, plus strand): 5'-TGGAGTTGGATTCTTCAGATCACCAAGTGCATTGATGTTCATCTGAAAGAAAATGCTGCC[T>A]ACTTTCAGGTTTTTATATTTAGTGATAATTTTGTTGTTATTTAGGTCTTAATACCTAATC-3'
Protein context (NP_004406.2, residues 368-388): IDVHLKENAA[Tyr378Asn]FQFFEEAQST